The following is an entry in ClinVar:

NM_001375380.1(EBF3):c.312C>T (p.Thr104=)

Gene: EBF3 (EBF transcription factor 3; minus strand). Cytogenetic location: 10q26.3.
Variant type: single nucleotide variant.
Coding change: c.312C>T on transcript NM_001375380.1 (MANE Select); coding-DNA position 312, C replaced by T.
Protein change: p.Thr104=; no amino-acid change (threonine 104 retained).
Molecular consequence: synonymous variant.
Genome position (GRCh38, 1-based): chr10:129,962,985, G>A on the plus strand (C>T on the coding strand, the complement: EBF3 is on the minus strand). VCF-style: chr10-129962985-G-A. GRCh37 (hg19) VCF-style: chr10-131761249-G-A.
Other names: c.312C>T, p.Thr104= (NM_001375389.1, NM_001375390.1, NM_001375391.1 and 3 more transcripts).
Identifiers: ClinVar variation 4534857 (VCV004534857.6).

ClinVar aggregate classification (germline): Likely benign (1 of 4 stars; one submission).

gnomAD v4.1: 2 of 1,613,980 alleles (0.00012%); highest among the groups gnomAD compares: Admixed American, 0.0033%; no homozygotes.

Submission:

CeGaT Center for Human Genetics Tuebingen
Classification: Likely benign. Last evaluated: 2025-10-01. Review status: criteria provided, single submitter. Criteria: CeGaT Center For Human Genetics Tuebingen Variant Classification Criteria Version 2. Collection method: clinical testing. Allele origin: germline. Affected: yes. Observed: 1 variant allele.
Comment: EBF3: BP4